The following is an entry in ClinVar:

ClinVar aggregate classification (germline): Conflicting classifications of pathogenicity. Review status: criteria provided, conflicting classifications (1 of 4 stars). 4 submissions from 4 submitters: Uncertain significance (1); Benign (1); Likely benign (2). Last evaluated 2026-05-03.

Conditions:
Hereditary cancer-predisposing syndrome. Also called: Neoplastic Syndromes, Hereditary; Tumor predisposition; Hereditary Cancer Syndrome; Hereditary neoplastic syndrome. Identifiers: Orphanet 140162, MedGen C0027672, MeSH D009386, MONDO:0015356.
ATM-related cancer predisposition. Also called: ATM-related cancer susceptibility. Identifiers: MedGen CN377759, MONDO:0700270.
Familial cancer of breast. Also called: BREAST CANCER, FAMILIAL; Hereditary breast cancer; hereditary breast carcinoma. Identifiers: Orphanet 227535, MedGen C0346153, MONDO:0016419, OMIM 114480. Disease mechanism: loss of function.
Ataxia-telangiectasia syndrome (AT). Also called: LOUIS-BAR SYNDROME; Cerebello-oculocutaneous telangiectasia; Immunodeficiency with ataxia telangiectasia; Ataxia telangiectasia (A-T); Ataxia-telangiectasia, complementation group E; Ataxia-telangiectasia, complementation group D. Identifiers: Orphanet 100, MedGen C0004135, MONDO:0008840, OMIM 208900.

Allele frequency attached by ClinVar (database versions not stated): TOPMed below 0.00001.

Submissions (4):

Ambry Genetics
Classification: Likely benign for Hereditary cancer-predisposing syndrome. Last evaluated: 2026-05-03. Review status: criteria provided, single submitter. Criteria: Ambry Variant Classification Scheme 2023. Collection method: clinical testing. Allele origin: germline.

Myriad Genetics, Inc.
Classification: Benign for Familial cancer of breast. Last evaluated: 2024-05-22. Review status: criteria provided, single submitter. Criteria: Myriad Autosomal Dominant, Autosomal Recessive and X-Linked Classification Criteria (2023). Collection method: clinical testing. Allele origin: unknown.
Comment: This variant is considered benign. This variant is a silent/synonymous amino acid change and it is not expected to impact splicing.

Labcorp Genetics (formerly Invitae), Labcorp
Classification: Likely benign for Ataxia-telangiectasia syndrome. Last evaluated: 2024-04-30. Review status: criteria provided, single submitter. Criteria: Invitae Variant Classification Sherloc (09022015). Collection method: clinical testing. Allele origin: germline.

Department of Pathology and Laboratory Medicine, Sinai Health System
Classification: Uncertain significance for ATM-related cancer predisposition. Last evaluated: 2021-01-05. Review status: criteria provided, single submitter. Criteria: ACMG Guidelines, 2015. Collection method: clinical testing. Allele origin: germline. Affected: no.

NM_000051.4(ATM):c.5244T>C (p.Ser1748=)

Gene: ATM (ATM serine/threonine kinase; plus strand). Cytogenetic location: 11q22.3.
Variant type: single nucleotide variant.
Coding change: c.5244T>C on transcript NM_000051.4 (MANE Select); coding-DNA position 5244, T replaced by C.
Protein change: p.Ser1748=; no amino-acid change (serine 1748 retained).
Molecular consequence: synonymous variant.
Genome position (GRCh38, 1-based): chr11:108,301,714, T>C. VCF-style: chr11-108301714-T-C. GRCh37 (hg19) VCF-style: chr11-108172441-T-C.
Other names: c.5244T>C, p.Ser1748= (NM_001351834.2); c.5244T>C (NM_000051.3).
Identifiers: ClinVar variation 1141867 (VCV001141867.12), dbSNP rs2083440966, ClinGen allele CA476674791.